The following is an entry in ClinVar:

NM_001363711.2(DUOX2):c.3386G>A (p.Trp1129Ter)

Gene: DUOX2 (dual oxidase 2; minus strand). Cytogenetic location: 15q21.1.
Variant type: single nucleotide variant.
Coding change: c.3386G>A on transcript NM_001363711.2 (MANE Select); coding-DNA position 3386, G replaced by A.
Protein change: p.Trp1129Ter; replaces tryptophan 1129 with a stop codon.
Molecular consequence: nonsense.
Genome position (GRCh38, 1-based): chr15:45,099,691, C>T on the plus strand (G>A on the coding strand, the complement: DUOX2 is on the minus strand). VCF-style: chr15-45099691-C-T. GRCh37 (hg19) VCF-style: chr15-45391889-C-T.
Other names: c.3386G>A, p.Trp1129Ter (NM_014080.5); short protein forms W1129*.
Identifiers: ClinVar variation 4807579 (VCV004807579.1).

ClinVar aggregate classification (germline): Pathogenic (1 of 4 stars; one submission).

Submission:

Labcorp Genetics (formerly Invitae), Labcorp
Classification: Pathogenic. Last evaluated: 2025-11-04. Review status: criteria provided, single submitter. Criteria: Invitae Variant Classification Sherloc (09022015). Collection method: clinical testing. Allele origin: germline.
Comment: This sequence change creates a premature translational stop signal (p.Trp1129*) in the DUOX2 gene. It is expected to result in an absent or disrupted protein product. Loss-of-function variants in DUOX2 are known to be pathogenic (PMID: 12110737, 18765513, 21565790, 24423310, 24735383). This variant is not present in population databases (gnomAD no frequency). This variant has not been reported in the literature in individuals affected with DUOX2-related conditions. For these reasons, this variant has been classified as Pathogenic.

Literature cited by the submitters: PubMed 12110737; PubMed 18765513; PubMed 21565790; PubMed 24423310; PubMed 24735383.